The following is an entry in ClinVar:

NM_000199.5(SGSH):c.1130G>T (p.Arg377Leu)

Gene: SGSH (N-sulfoglucosamine sulfohydrolase; minus strand). Cytogenetic location: 17q25.3.
Variant type: single nucleotide variant.
Coding change: c.1130G>T on transcript NM_000199.5 (MANE Select); coding-DNA position 1130, G replaced by T.
Protein change: p.Arg377Leu; replaces arginine 377 with leucine.
Molecular consequence: missense variant. On other transcripts: 3 prime UTR variant (2), non-coding transcript variant (1).
Genome position (GRCh38, 1-based): chr17:80,210,831, C>A on the plus strand (G>T on the coding strand, the complement: SGSH is on the minus strand). VCF-style: chr17-80210831-C-A. GRCh37 (hg19) VCF-style: chr17-78184630-C-A.
Other names: c.*217G>T (NM_001352921.3); c.*180G>T (NM_001352922.2); short protein forms R377L.
Identifiers: ClinVar variation 528317 (VCV000528317.9), dbSNP rs746037899, ClinGen allele CA401359077.

ClinVar aggregate classification (germline): Uncertain significance. Review status: criteria provided, multiple submitters, no conflicts (2 of 4 stars). 2 submissions from 2 submitters: Uncertain significance (2). Last evaluated 2021-11-07.

Conditions:
Mucopolysaccharidosis, MPS-III-A (MPS3A). Also called: SANFILIPPO SYNDROME A; SULFAMIDASE DEFICIENCY; MPS III A; MUCOPOLYSACCHARIDOSIS, TYPE IIIA, ATTENUATED; Mucopolysaccharidosis type IIIA (Sanfilippo A); MPS IIIA (Sanfilippo Syndrome Type A). Identifiers: Orphanet 581, Orphanet 79269, MedGen C0086647, MONDO:0009655, OMIM 252900.

gnomAD v4.1: 2 of 1,613,958 alleles (0.00012%); highest among the groups gnomAD compares: Non-Finnish European, 0.00017%; no homozygotes.

Submissions (2):

Genome-Nilou Lab
Classification: Uncertain significance for Mucopolysaccharidosis, MPS-III-A. Last evaluated: 2021-11-07. Review status: criteria provided, single submitter. Criteria: ACMG Guidelines, 2015. Collection method: clinical testing. Allele origin: germline. Affected: no.

Labcorp Genetics (formerly Invitae), Labcorp
Classification: Uncertain significance for Mucopolysaccharidosis, MPS-III-A. Last evaluated: 2017-08-21. Review status: criteria provided, single submitter. Criteria: Invitae Variant Classification Sherloc (09022015). Collection method: clinical testing. Allele origin: germline.
Comment: In summary, the available evidence is currently insufficient to determine the role of this variant in disease. Therefore, it has been classified as a Variant of Uncertain Significance. Algorithms developed to predict the effect of missense changes on protein structure and function do not agree on the potential impact of this missense change (SIFT: "Deleterious"; PolyPhen-2: "Probably Damaging"; Align-GVGD: "Class C0"). This variant has been reported as homozygous or in combination with another SGSH variant in two individuals affected with mucopolysaccharidosis type III (PMID: 22976768, 25807448). This finding is consistent with autosomal recessive inheritance, and suggests that this variant contributes to disease. This variant is not present in population databases (ExAC no frequency). This sequence change replaces arginine with leucine at codon 377 of the SGSH protein (p.Arg377Leu). The arginine residue is highly conserved and there is a moderate physicochemical difference between arginine and leucine.

Literature cited by the submitters: PubMed 22976768 (cited by Labcorp Genetics (formerly Invitae), Labcorp); PubMed 25807448 (cited by Labcorp Genetics (formerly Invitae), Labcorp).